The following is an entry in ClinVar:

NM_002439.5(MSH3):c.866G>A (p.Arg289Lys)

Gene: MSH3 (mutS homolog 3; plus strand). Cytogenetic location: 5q14.1.
Variant type: single nucleotide variant.
Coding change: c.866G>A on transcript NM_002439.5 (MANE Select); coding-DNA position 866, G replaced by A.
Protein change: p.Arg289Lys; replaces arginine 289 with lysine.
Molecular consequence: missense variant.
Genome position (GRCh38, 1-based): chr5:80,672,317, G>A. VCF-style: chr5-80672317-G-A. GRCh37 (hg19) VCF-style: chr5-79968136-G-A.
Other names: short protein forms R289K.
Identifiers: ClinVar variation 1764239 (VCV001764239.5), dbSNP rs1749741675, ClinGen allele CA360267213.

ClinVar aggregate classification (germline): Uncertain significance. Review status: criteria provided, multiple submitters, no conflicts (2 of 4 stars). 2 submissions from 2 submitters: Uncertain significance (2). Last evaluated 2024-10-29.

Conditions:
Hereditary cancer-predisposing syndrome. Also called: Neoplastic Syndromes, Hereditary; Tumor predisposition; Hereditary Cancer Syndrome; Hereditary neoplastic syndrome. Identifiers: Orphanet 140162, MedGen C0027672, MeSH D009386, MONDO:0015356.

gnomAD v4.1: 2 of 1,614,012 alleles (0.00012%); highest among the groups gnomAD compares: Non-Finnish European, 0.00017%; no homozygotes.

Submissions (2):

Ambry Genetics
Classification: Uncertain significance for Hereditary cancer-predisposing syndrome. Last evaluated: 2024-10-29. Review status: criteria provided, single submitter. Criteria: Ambry Variant Classification Scheme 2023. Collection method: clinical testing. Allele origin: germline.
Comment: The p.R289K variant (also known as c.866G>A), located in coding exon 5 of the MSH3 gene, results from a G to A substitution at nucleotide position 866. The arginine at codon 289 is replaced by lysine, an amino acid with highly similar properties. This amino acid position is highly conserved in available vertebrate species. In addition, this alteration is predicted to be deleterious by in silico analysis. Since supporting evidence is limited at this time, the clinical significance of this alteration remains unclear.

Labcorp Genetics (formerly Invitae), Labcorp
Classification: Uncertain significance. Last evaluated: 2024-03-02. Review status: criteria provided, single submitter. Criteria: Invitae Variant Classification Sherloc (09022015). Collection method: clinical testing. Allele origin: germline.
Comment: This sequence change replaces arginine, which is basic and polar, with lysine, which is basic and polar, at codon 289 of the MSH3 protein (p.Arg289Lys). This variant is not present in population databases (gnomAD no frequency). This variant has not been reported in the literature in individuals affected with MSH3-related conditions. ClinVar contains an entry for this variant (Variation ID: 1764239). An algorithm developed to predict the effect of missense changes on protein structure and function (PolyPhen-2) suggests that this variant is likely to be disruptive. In summary, the available evidence is currently insufficient to determine the role of this variant in disease. Therefore, it has been classified as a Variant of Uncertain Significance.